The following is an entry in ClinVar:

NM_198525.3(KIF7):c.1201GCC[3] (p.Ala402_Met403insAla)

Gene: KIF7 (kinesin family member 7; minus strand). Cytogenetic location: 15q26.1.
Variant type: Microsatellite.
Coding change: c.1201GCC[3] on transcript NM_198525.3 (MANE Select); three copies in a row of the 3-base unit GCC starting at c.1201; the reference has two copies in a row; one copy, 3 bases duplicated; also written c.1204_1206dup.
Protein change: p.Ala402_Met403insAla.
Molecular consequence: inframe insertion.
Genome position (GRCh38, 1-based): chr15:89,648,492-89,648,494, GGC duplicated on the plus strand (GCC on the coding strand, the reverse complement: KIF7 is on the minus strand); duplicating any 3 consecutive bases within chr15:89,648,492-89,648,497 gives the same sequence; the position shown is the placement nearest the transcript's 3' end. VCF-style (leftmost placement, unchanged base first): chr15-89648491-T-TGGC. GRCh37 (hg19) VCF-style: chr15-90191722-T-TGGC.
Other names: c.1204_1206dup (NM_198525.3).
Identifiers: ClinVar variation 5005482 (VCV005005482.2).

ClinVar aggregate classification (germline): Uncertain significance (1 of 4 stars; one submission).

Conditions:
Multiple epiphyseal dysplasia, Al-Gazali type. Also called: Macrocephaly with multiple epiphyseal dysplasia and distinctive facies. Identifiers: Orphanet 166024, MedGen C1846722, MONDO:0011778, OMIM 607131.
Hydrolethalus syndrome 2 (HLS2). Identifiers: Orphanet 2189, MedGen C3279899, MONDO:0013585, OMIM 614120.
Acrocallosal syndrome (ACLS). Also called: HALLUX DUPLICATION, POSTAXIAL POLYDACTYLY, AND ABSENCE OF CORPUS CALLOSUM; Schinzel syndrome 1; Absence of corpus callosum with unusual facial appearance, mental deficiency, duplication of the halluces and polydactyly. Identifiers: Orphanet 36, MedGen C0796147, MONDO:0008708, OMIM 200990.

Submission:

Juno Genomics, Hangzhou Juno Genomics, Inc
Classification: Uncertain significance for Multiple epiphyseal dysplasia, Al-Gazali type; Hydrolethalus syndrome 2; Acrocallosal syndrome. Review status: criteria provided, single submitter. Criteria: ACMG Guidelines, 2015. Collection method: clinical testing. Allele origin: germline.
Comment: Protein length changes due to in-frame deletions/insertions in a non-repeat region or stop-loss variants.;Absent from controls (or at extremely low frequency if recessive) in Genome Aggregation Database.